The following is an entry in ClinVar:

NM_015158.5(KANK1):c.2176G>A (p.Asp726Asn)

Gene: KANK1 (KN motif and ankyrin repeat domains 1; plus strand). Cytogenetic location: 9p24.3.
Variant type: single nucleotide variant.
Coding change: c.2176G>A on transcript NM_015158.5 (MANE Select); coding-DNA position 2176, G replaced by A.
Protein change: p.Asp726Asn; replaces aspartic acid 726 with asparagine.
Molecular consequence: missense variant. On other transcripts: non-coding transcript variant (1).
Genome position (GRCh38, 1-based): chr9:712,942, G>A. VCF-style: chr9-712942-G-A. GRCh37 (hg19) VCF-style: chr9-712942-G-A.
Other names: c.2176G>A, p.Asp726Asn (NM_001354332.2, NM_001354334.2, NM_001256876.3 and 2 more transcripts); c.1702G>A, p.Asp568Asn (NM_001354333.2, NM_153186.6, NM_001354335.2 and 9 more transcripts); short protein forms D568N, D726N.
Identifiers: ClinVar variation 2177122 (VCV002177122.4), dbSNP rs1455919031, ClinGen allele CA372749737.

ClinVar aggregate classification (germline): Uncertain significance (1 of 4 stars; one submission).

Allele frequency attached by ClinVar (database versions not stated): gnomAD exomes below 0.00001; TOPMed below 0.00001; gnomAD 0.00001.
gnomAD v4.1: 2 of 1,614,068 alleles (0.00012%); highest among the groups gnomAD compares: Admixed American, 0.0033%; no homozygotes.

Submission:

Labcorp Genetics (formerly Invitae), Labcorp
Classification: Uncertain significance. Last evaluated: 2022-08-09. Review status: criteria provided, single submitter. Criteria: Invitae Variant Classification Sherloc (09022015). Collection method: clinical testing. Allele origin: germline.
Comment: In summary, the available evidence is currently insufficient to determine the role of this variant in disease. Therefore, it has been classified as a Variant of Uncertain Significance. Algorithms developed to predict the effect of missense changes on protein structure and function are either unavailable or do not agree on the potential impact of this missense change (SIFT: "Tolerated"; PolyPhen-2: "Probably Damaging"; Align-GVGD: "Class C0"). This variant has not been reported in the literature in individuals affected with KANK1-related conditions. This variant is present in population databases (no rsID available, gnomAD 0.003%). This sequence change replaces aspartic acid, which is acidic and polar, with asparagine, which is neutral and polar, at codon 726 of the KANK1 protein (p.Asp726Asn).